The following is an entry in ClinVar:

ClinVar aggregate classification (germline): Conflicting classifications of pathogenicity. Review status: criteria provided, conflicting classifications (1 of 4 stars). 2 submissions from 2 submitters: Likely pathogenic (1); Uncertain significance (1). Last evaluated 2025-12-23.

Conditions:
Autosomal recessive polycystic kidney disease (ARPKD). Also called: AR polycystic kidney disease. Identifiers: Orphanet 731, Orphanet 8378, MedGen C0085548, MeSH D017044, MONDO:0009889.
PKHD1-related disorder. Also called: PKHD1-related condition.

gnomAD v4.1: 6 of 1,614,162 alleles (0.00037%); highest among the groups gnomAD compares: Non-Finnish European, 0.00051%; no homozygotes.

Submissions (2):

Natera, Inc.
Classification: Likely pathogenic for Autosomal recessive polycystic kidney disease. Last evaluated: 2025-12-23. Review status: criteria provided, single submitter. Criteria: Natera Variant Classification Schema (03/2026). Collection method: clinical testing. Allele origin: germline.
Comment: The c.1981A>C variant in PKHD1 is a missense variant predicted to cause substitution of threonine to proline at amino acid 661. This variant is rare in the general population with a frequency below the threshold expected for the associated phenotype(s). This variant has been observed in one or more individuals affected with the associated recessive disease, as either homozygous or compound heterozygous with a second variant (PMID: 37662847, 36685964). Computational prediction algorithms indicate this variant is likely to affect gene or protein function. Given the available evidence, this variant is classified as Likely Pathogenic.

PreventionGenetics, part of Exact Sciences
Classification: Uncertain significance for PKHD1-related condition. Last evaluated: 2025-07-22. Review status: criteria provided, single submitter. Criteria: ACMG Guidelines, 2015. Collection method: clinical testing. Allele origin: germline.
Comment: The PKHD1 c.1981A>C variant is predicted to result in the amino acid substitution p.Thr661Pro. This variant has been reported in the compound heterozygous state in an individual with autosomal recessive polycystic kidney disease (Gao et al. 2022. PubMed ID: 36685964). This variant is reported in 0.0018% of alleles in individuals of European (Non-Finnish) descent in gnomAD. At this time, the clinical significance of this variant is uncertain due to the absence of conclusive functional and genetic evidence.

Literature cited by the submitters: PubMed 37662847 (cited by Natera, Inc.); PubMed 36685964 (cited by Natera, Inc.).

NM_138694.4(PKHD1):c.1981A>C (p.Thr661Pro)

Gene: PKHD1 (PKHD1 ciliary IPT domain containing fibrocystin/polyductin; minus strand). Cytogenetic location: 6p12.2.
Variant type: single nucleotide variant.
Coding change: c.1981A>C on transcript NM_138694.4 (MANE Select); coding-DNA position 1981, A replaced by C.
Protein change: p.Thr661Pro; replaces threonine 661 with proline.
Molecular consequence: missense variant.
Genome position (GRCh38, 1-based): chr6:52,053,235, T>G on the plus strand (A>C on the coding strand, the complement: PKHD1 is on the minus strand). VCF-style: chr6-52053235-T-G. GRCh37 (hg19) VCF-style: chr6-51918033-T-G.
Other names: c.1981A>C, p.Thr661Pro (NM_170724.3); short protein forms T661P.
Identifiers: ClinVar variation 4816596 (VCV004816596.2).
Genomic context (GRCh38, chr6:52,053,235, plus strand): 5'-AGTTTGCCGGAGGGGGCTGGAGATCCCCGAAGCAACGCACACAAGTCTCCCAGAGGTCAG[T>G]GCAATCGAACTGCCAGCTGAAAAACAGCATGGAGCAGAACTGGGCTCTCAGGGAGCACTT-3'
Protein context (NP_619639.3, residues 651-671): TSPESWQFDC[Thr661Pro]DLWETCVRCF